The following is an entry in ClinVar:

NM_020964.3(EPG5):c.1237C>T (p.His413Tyr)

Gene: EPG5 (ectopic P-granules 5 autophagy tethering factor; minus strand). Cytogenetic location: 18q21.1.
Variant type: single nucleotide variant.
Coding change: c.1237C>T on transcript NM_020964.3 (MANE Select); coding-DNA position 1237, C replaced by T.
Protein change: p.His413Tyr; replaces histidine 413 with tyrosine.
Molecular consequence: missense variant.
Genome position (GRCh38, 1-based): chr18:45,952,415, G>A on the plus strand (C>T on the coding strand, the complement: EPG5 is on the minus strand). VCF-style: chr18-45952415-G-A. GRCh37 (hg19) VCF-style: chr18-43532381-G-A.
Other names: short protein forms H413Y.
Identifiers: ClinVar variation 941451 (VCV000941451.10), dbSNP rs2050930158, ClinGen allele CA402349839.

ClinVar aggregate classification (germline): Uncertain significance (1 of 4 stars; one submission).

Conditions:
Vici syndrome (VICIS). Identifiers: Orphanet 1493, MedGen C1855772, MONDO:0009452, OMIM 242840.

Submission:

Labcorp Genetics (formerly Invitae), Labcorp
Classification: Uncertain significance for Vici syndrome. Last evaluated: 2024-02-17. Review status: criteria provided, single submitter. Criteria: Invitae Variant Classification Sherloc (09022015). Collection method: clinical testing. Allele origin: germline.
Comment: This sequence change replaces histidine, which is basic and polar, with tyrosine, which is neutral and polar, at codon 413 of the EPG5 protein (p.His413Tyr). This variant is not present in population databases (gnomAD no frequency). This variant has not been reported in the literature in individuals affected with EPG5-related conditions. ClinVar contains an entry for this variant (Variation ID: 941451). Advanced modeling of protein sequence and biophysical properties (such as structural, functional, and spatial information, amino acid conservation, physicochemical variation, residue mobility, and thermodynamic stability) performed at Invitae indicates that this missense variant is not expected to disrupt EPG5 protein function with a negative predictive value of 80%. In summary, the available evidence is currently insufficient to determine the role of this variant in disease. Therefore, it has been classified as a Variant of Uncertain Significance.